The following is an entry in ClinVar:

ClinVar aggregate classification (germline): Benign (0 of 4 stars; one submission).

Conditions:
NAV2-related disorder. Also called: NAV2-related condition.

Allele frequency attached by ClinVar (database versions not stated): gnomAD exomes 0.32021; ExAC 0.34764; 1000 Genomes Project 0.40575; 1000 Genomes Project 30x 0.41240; gnomAD 0.41880; ESP Exome Variant Server 0.43284; TOPMed 0.44535.
gnomAD v4.1: 532,696 of 1,613,540 alleles (33%); highest among the groups gnomAD compares: African/African-American, 66%; 93,706 homozygotes.

Submission:

PreventionGenetics, part of Exact Sciences
Classification: Benign for NAV2-related condition. Last evaluated: 2019-10-30. Review status: no assertion criteria provided. Collection method: clinical testing. Allele origin: germline.
Comment: This variant is classified as benign based on ACMG/AMP sequence variant interpretation guidelines (Richards et al. 2015 PMID: 25741868, with internal and published modifications).

NM_145117.5(NAV2):c.326G>A (p.Arg109Lys)

Gene: NAV2 (neuron navigator 2; plus strand). Cytogenetic location: 11p15.1.
Variant type: single nucleotide variant.
Coding change: c.326G>A on transcript NM_145117.5 (MANE Select); coding-DNA position 326, G replaced by A.
Protein change: p.Arg109Lys; replaces arginine 109 with lysine.
Molecular consequence: missense variant.
Genome position (GRCh38, 1-based): chr11:19,832,542, G>A. VCF-style: chr11-19832542-G-A. GRCh37 (hg19) VCF-style: chr11-19854088-G-A.
Other names: c.134G>A, p.Arg45Lys (NM_001111018.2); c.326G>A, p.Arg109Lys (NM_001244963.2, NM_182964.6); short protein forms R109K, R45K.
Identifiers: ClinVar variation 3058864 (VCV003058864.2), dbSNP rs6483617, ClinGen allele CA5917513.